The following is an entry in ClinVar:

NM_170675.5(MEIS2):c.1147+355G>T

Gene: MEIS2 (Meis homeobox 2; minus strand). Cytogenetic location: 15q14.
Variant type: single nucleotide variant.
Coding change: c.1147+355G>T on transcript NM_170675.5 (MANE Select); 355 bases into the intron after coding-DNA position 1147, G replaced by T.
Molecular consequence: intron variant. On other transcripts: missense variant (5), non-coding transcript variant (1).
Genome position (GRCh38, 1-based): chr15:36,894,796, C>A on the plus strand (G>T on the coding strand, the complement: MEIS2 is on the minus strand). VCF-style: chr15-36894796-C-A. GRCh37 (hg19) VCF-style: chr15-37186997-C-A.
Other names: c.1104G>T, p.Met368Ile (NM_002399.4); c.1143G>T, p.Met381Ile (NM_170674.5); c.1164G>T, p.Met388Ile (NM_170677.5); c.1125G>T, p.Met375Ile (NM_172315.3); c.879G>T, p.Met293Ile (NM_172316.3); c.1126+355G>T (NM_001220482.2, NM_170676.5); short protein forms M368I, M388I, M293I, M375I, M381I.
Identifiers: ClinVar variation 2954754 (VCV002954754.3), dbSNP rs2504238921, ClinGen allele CA391926537.

ClinVar aggregate classification (germline): Uncertain significance (1 of 4 stars; one submission).

Conditions:
Cardiac malformation, cleft lip/palate, microcephaly, and digital anomalies. Also called: CLEFT PALATE, CARDIAC DEFECTS, AND IMPAIRED INTELLECTUAL DEVELOPMENT. Identifiers: MedGen C1832950, MONDO:0010970, OMIM 600987.

gnomAD v4.1: 4 of 1,613,028 alleles (0.00025%); highest among the groups gnomAD compares: Non-Finnish European, 0.00034%; no homozygotes.

Submission:

Labcorp Genetics (formerly Invitae), Labcorp
Classification: Uncertain significance for Cardiac malformation, cleft lip/palate, microcephaly, and digital anomalies. Last evaluated: 2025-09-02. Review status: criteria provided, single submitter. Criteria: Invitae Variant Classification Sherloc (09022015). Collection method: clinical testing. Allele origin: germline.
Comment: This sequence change replaces methionine, which is neutral and non-polar, with isoleucine, which is neutral and non-polar, at codon 381 of the MEIS2 protein (p.Met381Ile). This variant is not present in population databases (gnomAD no frequency). This variant has not been reported in the literature in individuals affected with MEIS2-related conditions. ClinVar contains an entry for this variant (Variation ID: 2954754). An algorithm developed to predict the effect of missense changes on protein structure and function (PolyPhen-2) suggests that this variant is likely to be tolerated. In summary, the available evidence is currently insufficient to determine the role of this variant in disease. Therefore, it has been classified as a Variant of Uncertain Significance.